The following is an entry in ClinVar:

ClinVar aggregate classification (germline): Uncertain significance (1 of 4 stars; one submission).

Conditions:
Immunodeficiency 25. Also called: Immunodeficiency due to defect in cd3-zeta, somatic. Identifiers: MedGen C1857798, MONDO:0012426, OMIM 610163.

Allele frequency attached by ClinVar (database versions not stated): gnomAD exomes 0.00001; ExAC 0.00002; gnomAD 0.00002; TOPMed 0.00005; ESP Exome Variant Server 0.00008.

Submission:

Labcorp Genetics (formerly Invitae), Labcorp
Classification: Uncertain significance for Immunodeficiency 25. Last evaluated: 2022-06-09. Review status: criteria provided, single submitter. Criteria: Invitae Variant Classification Sherloc (09022015). Collection method: clinical testing. Allele origin: germline.
Comment: This sequence change replaces valine, which is neutral and non-polar, with isoleucine, which is neutral and non-polar, at codon 85 of the CD247 protein (p.Val85Ile). This variant is present in population databases (rs371709798, gnomAD 0.007%). This variant has not been reported in the literature in individuals affected with CD247-related conditions. Algorithms developed to predict the effect of missense changes on protein structure and function output the following: SIFT: "Tolerated"; PolyPhen-2: "Benign"; Align-GVGD: "Class C0". The isoleucine amino acid residue is found in multiple mammalian species, which suggests that this missense change does not adversely affect protein function. In summary, the available evidence is currently insufficient to determine the role of this variant in disease. Therefore, it has been classified as a Variant of Uncertain Significance.

NM_198053.3(CD247):c.253G>A (p.Val85Ile)

Gene: CD247 (CD247 molecule; minus strand). Cytogenetic location: 1q24.2.
Variant type: single nucleotide variant.
Coding change: c.253G>A on transcript NM_198053.3 (MANE Select); coding-DNA position 253, G replaced by A.
Protein change: p.Val85Ile; replaces valine 85 with isoleucine.
Molecular consequence: missense variant.
Genome position (GRCh38, 1-based): chr1:167,438,617, C>T on the plus strand (G>A on the coding strand, the complement: CD247 is on the minus strand). VCF-style: chr1-167438617-C-T. GRCh37 (hg19) VCF-style: chr1-167407854-C-T.
Other names: c.253G>A, p.Val85Ile (NM_000734.4); c.346G>A, p.Val116Ile (NM_001378515.1, NM_001378516.1); short protein forms V85I, V116I.
Identifiers: ClinVar variation 1364326 (VCV001364326.3), dbSNP rs371709798, ClinGen allele CA1226029.